The following is an entry in ClinVar:

ClinVar aggregate classification (germline): Uncertain significance (1 of 4 stars; one submission).

Conditions:
POLD1-related polyposis and colorectal cancer syndrome (CRCS10). Also called: Colorectal cancer 10; COLORECTAL CANCER, SUSCEPTIBILITY TO, ON CHROMOSOME 19q; Colorectal cancer, susceptibility to, 10. Identifiers: Orphanet 220460, MedGen C2675481, MONDO:0012953, OMIM 612591.

Submission:

Labcorp Genetics (formerly Invitae), Labcorp
Classification: Uncertain significance for POLD1-related polyposis and colorectal cancer syndrome. Last evaluated: 2022-11-09. Review status: criteria provided, single submitter. Criteria: Invitae Variant Classification Sherloc (09022015). Collection method: clinical testing. Allele origin: germline.
Comment: ClinVar contains an entry for this variant (Variation ID: 1496530). This sequence change replaces serine, which is neutral and polar, with phenylalanine, which is neutral and non-polar, at codon 766 of the POLD1 protein (p.Ser766Phe). This variant is not present in population databases (gnomAD no frequency). This variant has not been reported in the literature in individuals affected with POLD1-related conditions. Advanced modeling of protein sequence and biophysical properties (such as structural, functional, and spatial information, amino acid conservation, physicochemical variation, residue mobility, and thermodynamic stability) performed at Invitae indicates that this missense variant is not expected to disrupt POLD1 protein function. In summary, the available evidence is currently insufficient to determine the role of this variant in disease. Therefore, it has been classified as a Variant of Uncertain Significance.

NM_002691.4(POLD1):c.2297C>T (p.Ser766Phe)

Gene: POLD1 (DNA polymerase delta 1, catalytic subunit; plus strand). Cytogenetic location: 19q13.33.
Variant type: single nucleotide variant.
Coding change: c.2297C>T on transcript NM_002691.4 (MANE Select); coding-DNA position 2297, C replaced by T.
Protein change: p.Ser766Phe; replaces serine 766 with phenylalanine.
Molecular consequence: missense variant. On other transcripts: non-coding transcript variant (1).
Genome position (GRCh38, 1-based): chr19:50,413,788, C>T. VCF-style: chr19-50413788-C-T. GRCh37 (hg19) VCF-style: chr19-50917045-C-T.
Other names: c.2297C>T, p.Ser766Phe (NM_001256849.1); c.2375C>T, p.Ser792Phe (NM_001308632.1); short protein forms S792F, S766F.
Identifiers: ClinVar variation 1496530 (VCV001496530.8), dbSNP rs2122447937, ClinGen allele CA406984080.